The following is an entry in ClinVar:

NM_012431.3(SEMA3E):c.1832T>G (p.Val611Gly)

Gene: SEMA3E (semaphorin 3E; minus strand). Cytogenetic location: 7q21.11.
Variant type: single nucleotide variant.
Coding change: c.1832T>G on transcript NM_012431.3 (MANE Select); coding-DNA position 1832, T replaced by G.
Protein change: p.Val611Gly; replaces valine 611 with glycine.
Molecular consequence: missense variant.
Genome position (GRCh38, 1-based): chr7:83,385,337, A>C on the plus strand (T>G on the coding strand, the complement: SEMA3E is on the minus strand). VCF-style: chr7-83385337-A-C. GRCh37 (hg19) VCF-style: chr7-83014653-A-C.
Other names: c.1652T>G, p.Val551Gly (NM_001178129.2); short protein forms V611G, V551G.
Identifiers: ClinVar variation 4997853 (VCV004997853.1).

ClinVar aggregate classification (germline): Uncertain significance (1 of 4 stars; one submission).

Conditions:
SEMA3E-related disorder. Also called: SEMA3E-related condition.

Submission:

PreventionGenetics, part of Exact Sciences
Classification: Uncertain significance for SEMA3E-related condition. Last evaluated: 2025-08-07. Review status: criteria provided, single submitter. Criteria: ACMG Guidelines, 2015. Collection method: clinical testing. Allele origin: germline.
Comment: The SEMA3E c.1832T>G variant is predicted to result in the amino acid substitution p.Val611Gly. To our knowledge, this variant has not been reported in the literature or in a large population database (gnomAD), indicating this variant is rare. At this time, the clinical significance of this variant is uncertain due to the absence of conclusive functional and genetic evidence.